The following is an entry in ClinVar:

ClinVar aggregate classification (germline): Likely benign. Review status: criteria provided, multiple submitters, no conflicts (2 of 4 stars). 5 submissions from 5 submitters: Likely benign (4). 1 of the submissions does not count toward it. Last evaluated 2025-12-31.

Conditions:
Hereditary cancer-predisposing syndrome. Also called: Neoplastic Syndromes, Hereditary; Hereditary Cancer Syndrome; Tumor predisposition; Hereditary neoplastic syndrome. Identifiers: Orphanet 140162, MedGen C0027672, MeSH D009386, MONDO:0015356.
Pheochromocytoma. Also called: MAX-Related Hereditary Paraganglioma-Pheochromocytoma Syndrome. Identifiers: Orphanet 29072, MedGen C0031511, MONDO:0008233, OMIM 171300, HP:0002666.
Familial medullary thyroid carcinoma (MTC). Also called: Thyroid cancer, familial medullary; MTC, familial; Familial Medullary Thyroid Carcinoma (FMTC). Identifiers: Orphanet 653, Orphanet 99361, MedGen C1833921, MONDO:0007958, OMIM 155240.
Multiple endocrine neoplasia type 2B. Also called: Multiple endocrine neoplasia, type 3; MULTIPLE ENDOCRINE NEOPLASIA, TYPE IIB; MUCOSAL NEUROMA SYNDROME; MEN 2B; Multiple Endocrine Neoplasia Type 2B (MEN2B); MEN IIB. Identifiers: Orphanet 247709, Orphanet 653, MedGen C0025269, MeSH D018814, MONDO:0008082, OMIM 162300.
Multiple endocrine neoplasia type 2A. Also called: MULTIPLE ENDOCRINE NEOPLASIA, TYPE IIA; PTC SYNDROME; SIPPLE SYNDROME; MEN 2A; MEN-2A syndrome; Pheochromocytoma and amyloid producing medullary thyroid carcinoma. Identifiers: Orphanet 247698, Orphanet 653, MedGen C0025268, MeSH D018813, MONDO:0008234, OMIM 171400.
Hirschsprung disease, susceptibility to, 1 (HSCR1). Also called: RET-Related Hirschsprung Disease. Identifiers: Orphanet 388, MedGen C3888239, MONDO:0007723, OMIM 142623.
RET-related disorder. Also called: RET-related disorders; RET-related condition; RET-related disease.
Multiple endocrine neoplasia, type 2 (MEN2). Identifiers: Orphanet 653, MedGen C4048306, MONDO:0019003. Disease mechanism: gain of function.

Allele frequency attached by ClinVar (database versions not stated): gnomAD exomes 0.00002; ExAC 0.00004; TOPMed 0.00005; gnomAD 0.00006 and 0.00007; ESP Exome Variant Server 0.00015.
gnomAD v4.1: 19 of 1,614,036 alleles (0.0012%); highest among the groups gnomAD compares: African/African-American, 0.024%; no homozygotes.

Submissions (5):

Labcorp Genetics (formerly Invitae), Labcorp
Classification: Likely benign for Multiple endocrine neoplasia, type 2. Last evaluated: 2025-12-31. Review status: criteria provided, single submitter. Criteria: Invitae Variant Classification Sherloc (09022015). Collection method: clinical testing. Allele origin: germline.

Color Diagnostics, LLC DBA Color Health
Classification: Likely benign for Multiple endocrine neoplasia, type 2. Last evaluated: 2022-11-06. Review status: criteria provided, single submitter. Criteria: ACMG Guidelines, 2015. Collection method: clinical testing. Allele origin: germline.

Fulgent Genetics
Classification: Likely benign for Hirschsprung disease, susceptibility to, 1; Familial medullary thyroid carcinoma; Multiple endocrine neoplasia type 2B; Pheochromocytoma; Multiple endocrine neoplasia type 2A. Last evaluated: 2021-10-06. Review status: criteria provided, single submitter. Criteria: ACMG Guidelines, 2015. Collection method: clinical testing. Allele origin: unknown.

Ambry Genetics
Classification: Likely benign for Hereditary cancer-predisposing syndrome. Last evaluated: 2018-06-05. Review status: criteria provided, single submitter. Criteria: Ambry Variant Classification Scheme 2023. Collection method: clinical testing. Allele origin: germline.

PreventionGenetics, part of Exact Sciences
Classification: Likely benign for RET-related condition. Last evaluated: 2024-06-10. Review status: no assertion criteria provided. Collection method: clinical testing. Allele origin: germline. Not counted in ClinVar's aggregate classification.
Comment: This variant is classified as likely benign based on ACMG/AMP sequence variant interpretation guidelines (Richards et al. 2015 PMID: 25741868, with internal and published modifications).

NM_020975.6(RET):c.1371A>T (p.Ser457=)

Gene: RET (ret proto-oncogene; plus strand). Cytogenetic location: 10q11.21.
Variant type: single nucleotide variant.
Coding change: c.1371A>T on transcript NM_020975.6 (MANE Select); coding-DNA position 1371, A replaced by T.
Protein change: p.Ser457=; no amino-acid change (serine 457 retained).
Molecular consequence: synonymous variant. On other transcripts: intron variant (15).
Genome position (GRCh38, 1-based): chr10:43,111,314, A>T. VCF-style: chr10-43111314-A-T. GRCh37 (hg19) VCF-style: chr10-43606762-A-T.
Other names: c.1371A>T, p.Ser457= (NM_000323.2, NM_001406743.1, NM_001406744.1 and 6 more transcripts); c.609A>T, p.Ser203= (NM_001355216.2); c.1242A>T, p.Ser414= (NM_001406761.1, NM_001406762.1, NM_001406764.1 and 1 more transcripts); c.1083A>T, p.Ser361= (NM_001406766.1, NM_001406767.1, NM_001406770.1); c.975A>T, p.Ser325= (NM_001406769.1, NM_001406772.1); c.933A>T, p.Ser311= (NM_001406771.1, NM_001406773.1); c.846A>T, p.Ser282= (NM_001406774.1); c.645A>T, p.Ser215= (NM_001406775.1, NM_001406776.1, NM_001406777.1 and 1 more transcripts); and 5 more.
Identifiers: ClinVar variation 543787 (VCV000543787.19), dbSNP rs376464605, ClinGen allele CA033329.